The following is an entry in ClinVar:

ClinVar aggregate classification (germline): Pathogenic (1 of 4 stars; one submission).

Conditions:
KBG syndrome (KBGS). Also called: ANKRD11-Related KBG Syndrome. Identifiers: Orphanet 2332, MedGen C0220687, MONDO:0007846, OMIM 148050.

Submission:

Labcorp Genetics (formerly Invitae), Labcorp
Classification: Pathogenic for KBG syndrome. Last evaluated: 2022-08-05. Review status: criteria provided, single submitter. Criteria: Invitae Variant Classification Sherloc (09022015). Collection method: clinical testing. Allele origin: germline.
Comment: For these reasons, this variant has been classified as Pathogenic. This variant has not been reported in the literature in individuals affected with ANKRD11-related conditions. This variant is not present in population databases (gnomAD no frequency). This sequence change creates a premature translational stop signal (p.Tyr2015*) in the ANKRD11 gene. It is expected to result in an absent or disrupted protein product. Loss-of-function variants in ANKRD11 are known to be pathogenic (PMID: 21782149, 25125236, 25413698, 25652421).

Literature cited by the submitters: PubMed 21782149; PubMed 25125236; PubMed 25413698; PubMed 25652421.

NM_013275.6(ANKRD11):c.6045C>A (p.Tyr2015Ter)

Gene: ANKRD11 (ankyrin repeat domain 11; minus strand). Cytogenetic location: 16q24.3.
Variant type: single nucleotide variant.
Coding change: c.6045C>A on transcript NM_013275.6 (MANE Select); coding-DNA position 6045, C replaced by A.
Protein change: p.Tyr2015Ter; replaces tyrosine 2015 with a stop codon.
Molecular consequence: nonsense.
Genome position (GRCh38, 1-based): chr16:89,280,497, G>T on the plus strand (C>A on the coding strand, the complement: ANKRD11 is on the minus strand). VCF-style: chr16-89280497-G-T. GRCh37 (hg19) VCF-style: chr16-89346905-G-T.
Other names: c.6045C>A, p.Tyr2015Ter (NM_001256182.2, NM_001256183.2); short protein forms Y2015*.
Identifiers: ClinVar variation 2021942 (VCV002021942.4), dbSNP rs2544224725, ClinGen allele CA397152174.
Genomic context (GRCh38, chr16:89,280,497, plus strand): 5'-CTCCAGCCCCGGCTCAGCGACGGGCAGAGCGTACGGGGCAGGAGAGGCGGGAGGGGCGGG[G>T]TACGGCGCCTCCGAGGCGCTGAAGGGCCCTGGGGCGGCAGAGTGGAGGGGGTCCGCGGGG-3'